The following is an entry in ClinVar:

NM_005732.4(RAD50):c.1174_1177del (p.Gln392fs)

Gene: RAD50 (RAD50 double strand break repair protein; plus strand). Cytogenetic location: 5q31.1.
Variant type: Deletion.
Coding change: c.1174_1177del on transcript NM_005732.4 (MANE Select); coding-DNA positions 1174 to 1177, 4 bases deleted (CAGA; older notation c.1174_1177delCAGA).
Protein change: p.Gln392fs; shifts the reading frame from glutamine 392.
Molecular consequence: frameshift variant.
Genome position (GRCh38, 1-based): chr5:132,588,809-132,588,812, CAGA deleted; deleting any 4 consecutive bases within chr5:132,588,806-132,588,812 gives the same sequence; the c. name uses the placement nearest the transcript's 3' end. VCF-style (leftmost placement, unchanged base first): chr5-132588805-AAGAC-A. GRCh37 (hg19) VCF-style: chr5-131924497-AAGAC-A.
Other names: c.1174_1177del (NM_005732.3); short protein forms Q392fs.
Identifiers: ClinVar variation 482086 (VCV000482086.17), dbSNP rs1554098250, ClinGen allele CA658657504.

ClinVar aggregate classification (germline): Pathogenic/Likely pathogenic. Review status: criteria provided, multiple submitters, no conflicts (2 of 4 stars). 4 submissions from 4 submitters: Pathogenic (3); Likely pathogenic (1). Last evaluated 2024-04-23.

Conditions:
Hereditary cancer-predisposing syndrome. Also called: Neoplastic Syndromes, Hereditary; Tumor predisposition; Hereditary Cancer Syndrome; Hereditary neoplastic syndrome. Identifiers: Orphanet 140162, MedGen C0027672, MeSH D009386, MONDO:0015356.
Nijmegen breakage syndrome-like disorder (NBSLD). Also called: MICROCEPHALY AND SPONTANEOUS CHROMOSOME INSTABILITY WITHOUT IMMUNODEFICIENCY; NBS-LIKE DISORDER; RAD50 DEFICIENCY. Identifiers: Orphanet 240760, MedGen C2751318, MONDO:0013118, OMIM 613078.

Submissions (4):

Labcorp Genetics (formerly Invitae), Labcorp
Classification: Pathogenic for Hereditary cancer-predisposing syndrome. Last evaluated: 2024-04-23. Review status: criteria provided, single submitter. Criteria: Invitae Variant Classification Sherloc (09022015). Collection method: clinical testing. Allele origin: germline.
Comment: This sequence change creates a premature translational stop signal (p.Gln392Leufs*8) in the RAD50 gene. It is expected to result in an absent or disrupted protein product. Loss-of-function variants in RAD50 are known to be pathogenic (PMID: 19409520). This variant is not present in population databases (gnomAD no frequency). This variant has not been reported in the literature in individuals affected with RAD50-related conditions. ClinVar contains an entry for this variant (Variation ID: 482086). For these reasons, this variant has been classified as Pathogenic.

Ambry Genetics
Classification: Pathogenic for Hereditary cancer-predisposing syndrome. Last evaluated: 2020-04-27. Review status: criteria provided, single submitter. Criteria: Ambry Variant Classification Scheme 2023. Collection method: clinical testing. Allele origin: germline.
Comment: The c.1174_1177delCAGA pathogenic mutation, located in coding exon 8 of the RAD50 gene, results from a deletion of 4 nucleotides between positions 1174 and 1177, causing a translational frameshift with a predicted alternate stop codon (p.Q392Lfs*8). This alteration is expected to result in loss of function by premature protein truncation or nonsense-mediated mRNA decay. As such, this alteration is interpreted as a disease-causing mutation.

Revvity Omics, Revvity
Classification: Pathogenic for Nijmegen breakage syndrome-like disorder. Last evaluated: 2019-01-23. Review status: criteria provided, single submitter. Criteria: ACMG Guidelines, 2015. Collection method: clinical testing. Allele origin: germline.

Women's Health and Genetics/Laboratory Corporation of America, LabCorp
Classification: Likely pathogenic for Nijmegen breakage syndrome-like disorder. Last evaluated: 2018-01-19. Review status: criteria provided, single submitter. Criteria: LabCorp Variant Classification Summary - May 2015. Collection method: clinical testing. Allele origin: germline.
Comment: Variant summary: The RAD50 c.1174_1177delCAGA (p.Gln392LeufsX8) variant results in a premature termination codon, predicted to cause a truncated or absent RAD50 protein due to nonsense mediated decay, which are commonly known mechanisms for disease. One in silico tool predicts a damaging outcome for this variant. This variant is absent in 245944 control chromosomes. In addition, one clinical diagnostic laboratory/reputable database classified this variant as pathogenic. The variant of interest has not, to our knowledge, been reported in affected individuals via publications nor evaluated for functional impact by in vivo/vitro studies. Taken together, this variant is classified as likely pathogenic.

Literature cited by the submitters: PubMed 19409520 (cited by Labcorp Genetics (formerly Invitae), Labcorp).